The following is an entry in ClinVar:

ClinVar aggregate classification (germline): Likely benign. Review status: criteria provided, multiple submitters, no conflicts (2 of 4 stars). 2 submissions from 2 submitters: Likely benign (2). Last evaluated 2024-05-01.

Conditions:
Congenital myasthenic syndrome 10. Also called: Myasthenia, limb-girdle, familial. Identifiers: Orphanet 590, MedGen C1850792, MONDO:0009690, OMIM 254300.
Fetal akinesia deformation sequence 1 (FADS1). Also called: Fetal akinesia sequence; Pena-Shokeir syndrome type I. Identifiers: Orphanet 994, MedGen C1276035, MONDO:0100101, OMIM 208150, HP:0001989.

Allele frequency attached by ClinVar (database versions not stated): gnomAD 0.00001; TOPMed 0.00001.
gnomAD v4.1: 23 of 1,603,028 alleles (0.0014%); highest among the groups gnomAD compares: Admixed American, 0.0068%; 1 homozygote.

Submissions (2):

CeGaT Center for Human Genetics Tuebingen
Classification: Likely benign. Last evaluated: 2024-05-01. Review status: criteria provided, single submitter. Criteria: CeGaT Center For Human Genetics Tuebingen Variant Classification Criteria Version 2. Collection method: clinical testing. Allele origin: germline. Affected: yes. Observed: 1 variant allele.
Comment: DOK7: BP4, BP7

Labcorp Genetics (formerly Invitae), Labcorp
Classification: Likely benign for Congenital myasthenic syndrome 10; Fetal akinesia deformation sequence 1. Last evaluated: 2023-12-21. Review status: criteria provided, single submitter. Criteria: Invitae Variant Classification Sherloc (09022015). Collection method: clinical testing. Allele origin: germline.

NM_173660.5(DOK7):c.1443C>T (p.His481=)

Gene: DOK7 (docking protein 7; plus strand). Cytogenetic location: 4p16.3.
Variant type: single nucleotide variant.
Coding change: c.1443C>T on transcript NM_173660.5 (MANE Select); coding-DNA position 1443, C replaced by T.
Protein change: p.His481=; no amino-acid change (histidine 481 retained).
Molecular consequence: synonymous variant. On other transcripts: 3 prime UTR variant (1).
Genome position (GRCh38, 1-based): chr4:3,493,429, C>T. VCF-style: chr4-3493429-C-T. GRCh37 (hg19) VCF-style: chr4-3495156-C-T.
Other names: c.*664C>T (NM_001164673.2); c.513C>T, p.His171= (NM_001256896.2); c.1443C>T, p.His481= (NM_001301071.2); c.1011C>T, p.His337= (NM_001363811.2).
Identifiers: ClinVar variation 1586642 (VCV001586642.27), dbSNP rs749462644, ClinGen allele CA2829521.